The following is an entry in ClinVar:

ClinVar aggregate classification (germline): Uncertain significance (1 of 4 stars; one submission).

Submission:

Women's Health and Genetics/Laboratory Corporation of America, LabCorp
Classification: Uncertain significance. Last evaluated: 2025-03-25. Review status: criteria provided, single submitter. Criteria: LabCorp Variant Classification Summary - May 2015. Collection method: clinical testing. Allele origin: germline.
Comment: Variant summary: TTN c.76324A>G (p.Asn25442Asp) results in a conservative amino acid change in the encoded protein sequence. Two of four in-silico tools predict a benign effect of the variant on protein function. The variant was absent in 246614 control chromosomes. The available data on variant occurrences in the general population are insufficient to allow any conclusion about variant significance. To our knowledge, no occurrence of c.76324A>G in individuals affected with Autosomal Recessive Titinopathy and no experimental evidence demonstrating its impact on protein function have been reported. No submitters have cited clinical-significance assessments for this variant to ClinVar. Based on the evidence outlined above, the variant was classified as uncertain significance.

NM_001267550.2(TTN):c.84028A>G (p.Asn28010Asp)

Genes: TTN (titin; minus strand), TTN-AS1 (TTN antisense RNA 1; plus strand). Cytogenetic location: 2q31.2.
Variant type: single nucleotide variant.
Coding change: c.84028A>G on transcript NM_001267550.2 (MANE Select); coding-DNA position 84028, A replaced by G.
Protein change: p.Asn28010Asp; replaces asparagine 28010 with aspartic acid.
Molecular consequence: missense variant.
Genome position (GRCh38, 1-based): chr2:178,562,104, T>C on the plus strand (A>G on the coding strand, the complement: TTN is on the minus strand). VCF-style: chr2-178562104-T-C. GRCh37 (hg19) VCF-style: chr2-179426831-T-C.
Other names: c.79105A>G, p.Asn26369Asp (NM_001256850.1); c.56833A>G, p.Asn18945Asp (NM_003319.4); c.76324A>G, p.Asn25442Asp (NM_133378.4); c.57208A>G, p.Asn19070Asp (NM_133432.3); c.57409A>G, p.Asn19137Asp (NM_133437.4); short protein forms N18945D, N19070D, N19137D, N25442D, N26369D, N28010D.
Identifiers: ClinVar variation 3895958 (VCV003895958.1).